The following is an entry in ClinVar:

ClinVar aggregate classification (germline): Uncertain significance. Review status: criteria provided, multiple submitters, no conflicts (2 of 4 stars). 2 submissions from 2 submitters: Uncertain significance (2). Last evaluated 2022-03-29.

Conditions:
Hereditary cancer-predisposing syndrome. Also called: Neoplastic Syndromes, Hereditary; Tumor predisposition; Hereditary Cancer Syndrome; Hereditary neoplastic syndrome. Identifiers: Orphanet 140162, MedGen C0027672, MeSH D009386, MONDO:0015356.

Submissions (2):

Labcorp Genetics (formerly Invitae), Labcorp
Classification: Uncertain significance. Last evaluated: 2022-03-29. Review status: criteria provided, single submitter. Criteria: Invitae Variant Classification Sherloc (09022015). Collection method: clinical testing. Allele origin: germline.
Comment: This sequence change replaces asparagine, which is neutral and polar, with lysine, which is basic and polar, at codon 751 of the POLE protein (p.Asn751Lys). This variant is not present in population databases (gnomAD no frequency). This variant has not been reported in the literature in individuals affected with POLE-related conditions. Algorithms developed to predict the effect of missense changes on protein structure and function (SIFT, PolyPhen-2, Align-GVGD) all suggest that this variant is likely to be disruptive. In summary, the available evidence is currently insufficient to determine the role of this variant in disease. Therefore, it has been classified as a Variant of Uncertain Significance.

Ambry Genetics
Classification: Uncertain significance for Hereditary cancer-predisposing syndrome. Last evaluated: 2021-08-13. Review status: criteria provided, single submitter. Criteria: Ambry Variant Classification Scheme 2023. Collection method: clinical testing. Allele origin: germline.
Comment: The p.N751K variant (also known as c.2253C>A), located in coding exon 20 of the POLE gene, results from a C to A substitution at nucleotide position 2253. The asparagine at codon 751 is replaced by lysine, an amino acid with similar properties. This amino acid position is conserved. In addition, this alteration is predicted to be tolerated by in silico analysis. Since supporting evidence is limited at this time, the clinical significance of this alteration remains unclear.

NM_006231.4(POLE):c.2253C>A (p.Asn751Lys)

Gene: POLE (DNA polymerase epsilon, catalytic subunit; minus strand). Cytogenetic location: 12q24.33.
Variant type: single nucleotide variant.
Coding change: c.2253C>A on transcript NM_006231.4 (MANE Select); coding-DNA position 2253, C replaced by A.
Protein change: p.Asn751Lys; replaces asparagine 751 with lysine.
Molecular consequence: missense variant.
Genome position (GRCh38, 1-based): chr12:132,667,569, G>T on the plus strand (C>A on the coding strand, the complement: POLE is on the minus strand). VCF-style: chr12-132667569-G-T. GRCh37 (hg19) VCF-style: chr12-133244155-G-T.
Other names: short protein forms N751K.
Identifiers: ClinVar variation 1788472 (VCV001788472.7), dbSNP rs1239144686, ClinGen allele CA387352207.
Genomic context (GRCh38, chr12:132,667,569, plus strand): 5'-GAGCCCTTTGAACTCGTAACGCCTGTCCCGGAAGGCACGCACGGTGTCCACGTAGAAGGA[G>T]TTTTCCCGCTGGCAGATGGTGGTGAGACGCTCTTCCACCTTGGTGATGTGGATCTTCTTG-3'
Protein context (NP_006222.2, residues 741-761): ERLTTICQRE[Asn751Lys]SFYVDTVRAF